The following is an entry in ClinVar:

ClinVar aggregate classification (germline): Likely benign (0 of 4 stars; one submission).

Conditions:
PKD1L1-related disorder. Also called: PKD1L1-related condition.

Allele frequency attached by ClinVar (database versions not stated): TOPMed below 0.00001.
gnomAD v4.1: 9 of 1,611,524 alleles (0.00056%); highest among the groups gnomAD compares: African/African-American, 0.008%; no homozygotes.

Submission:

PreventionGenetics, part of Exact Sciences
Classification: Likely benign for PKD1L1-related condition. Last evaluated: 2022-01-17. Review status: no assertion criteria provided. Collection method: clinical testing. Allele origin: germline.
Comment: This variant is classified as likely benign based on ACMG/AMP sequence variant interpretation guidelines (Richards et al. 2015 PMID: 25741868, with internal and published modifications).

NM_138295.5(PKD1L1):c.3942G>T (p.Gly1314=)

Gene: PKD1L1 (polycystin 1 like 1, transient receptor potential channel interacting; minus strand). Cytogenetic location: 7p12.3.
Variant type: single nucleotide variant.
Coding change: c.3942G>T on transcript NM_138295.5 (MANE Select); coding-DNA position 3942, G replaced by T.
Protein change: p.Gly1314=; no amino-acid change (glycine 1314 retained).
Molecular consequence: synonymous variant.
Genome position (GRCh38, 1-based): chr7:47,866,569, C>A on the plus strand (G>T on the coding strand, the complement: PKD1L1 is on the minus strand). VCF-style: chr7-47866569-C-A. GRCh37 (hg19) VCF-style: chr7-47906167-C-A.
Identifiers: ClinVar variation 3037024 (VCV003037024.2), dbSNP rs776263468, ClinGen allele CA454915073.
Genomic context (GRCh38, chr7:47,866,569, plus strand): 5'-AGACAAACGACTCAGGATTCTGGTGATCACAGTGATGTAGTTCCTGATTTCTGTGTAACT[C>A]CCCATCAGCTGGAGGGTAGAAAGGTTTTTCAGGCTGGAATTATACCTGAAGGAAACACAA-3'
Protein context (NP_612152.1, residues 1304-1324): LKNLSTLQLM[Gly1314=]SYTEIRNYIT